The following is an entry in ClinVar:

NM_004415.4(DSP):c.6654C>T (p.Thr2218=)

Gene: DSP (desmoplakin; plus strand). Cytogenetic location: 6p24.3.
Variant type: single nucleotide variant.
Coding change: c.6654C>T on transcript NM_004415.4 (MANE Select); coding-DNA position 6654, C replaced by T.
Protein change: p.Thr2218=; no amino-acid change (threonine 2218 retained).
Molecular consequence: synonymous variant.
Genome position (GRCh38, 1-based): chr6:7,583,916, C>T. VCF-style: chr6-7583916-C-T. GRCh37 (hg19) VCF-style: chr6-7584149-C-T.
Other names: c.6654C>T (LRG_423t1); c.4857C>T, p.Thr1619= (NM_001008844.3); c.5325C>T, p.Thr1775= (NM_001319034.2).
Identifiers: ClinVar variation 534334 (VCV000534334.16), dbSNP rs727503005, ClinGen allele CA048146.

ClinVar aggregate classification (germline): Likely benign. Review status: criteria provided, multiple submitters, no conflicts (2 of 4 stars). 5 submissions from 5 submitters: Likely benign (5). Last evaluated 2025-11-18.

Conditions:
Arrhythmogenic cardiomyopathy with wooly hair and keratoderma. Also called: PALMOPLANTAR KERATODERMA WITH LEFT VENTRICULAR CARDIOMYOPATHY AND WOOLLY HAIR; Carvajal syndrome; Dilated cardiomyopathy with woolly hair and keratoderma; Arrhythmogenic cardiomyopathy with woolly hair and keratoderma. Identifiers: Orphanet 65282, MedGen C1854063, MONDO:0011581, OMIM 605676.
Arrhythmogenic right ventricular dysplasia 8 (ARVD8). Also called: Arrhythmogenic Right Ventricular Dysplasia/Cardiomyopathy 8; ARRHYTHMOGENIC RIGHT VENTRICULAR DYSPLASIA, FAMILIAL, 8; ARRHYTHMOGENIC RIGHT VENTRICULAR CARDIOMYOPATHY 8. Identifiers: MedGen C1843896, MONDO:0011831, OMIM 607450.
Cardiovascular phenotype. Identifiers: MedGen CN230736.
Cardiomyopathy (CMYO). Also called: Cardiomyopathies. Identifiers: Orphanet 167848, MedGen C0878544, MONDO:0004994, HP:0001638. Inheritance: Various modes of inheritance.

Allele frequency attached by ClinVar (database versions not stated): ExAC 0.00005; gnomAD exomes 0.00006; TOPMed 0.00007.
gnomAD v4.1: 32 of 1,613,910 alleles (0.002%); highest among the groups gnomAD compares: Admixed American, 0.022%; no homozygotes.

Submissions (5):

Labcorp Genetics (formerly Invitae), Labcorp
Classification: Likely benign for Arrhythmogenic cardiomyopathy with wooly hair and keratoderma; Arrhythmogenic right ventricular dysplasia 8. Last evaluated: 2025-11-18. Review status: criteria provided, single submitter. Criteria: Invitae Variant Classification Sherloc (09022015). Collection method: clinical testing. Allele origin: germline.

All of Us Research Program, National Institutes of Health
Classification: Likely benign for Arrhythmogenic cardiomyopathy with wooly hair and keratoderma. Last evaluated: 2024-02-05. Review status: criteria provided, single submitter. Criteria: ACMG Guidelines, 2015. Collection method: clinical testing. Allele origin: germline. Inheritance: Autosomal dominant inheritance. Observed: 14 variant alleles, 14 heterozygotes.
Comment: This study involves interpretation of variants in research participants for the purpose of population health screening. Participant phenotype was not available at the time of variant classification. Additional details can be found in publication PMID: 35346344, PMCID: PMC8962531

Blueprint Genetics
Classification: Likely benign. Last evaluated: 2023-01-17. Review status: criteria provided, single submitter. Criteria: ACMG Guidelines, 2015. Collection method: clinical testing. Allele origin: germline.

Ambry Genetics
Classification: Likely benign for Cardiovascular phenotype. Last evaluated: 2020-09-30. Review status: criteria provided, single submitter. Criteria: Ambry Variant Classification Scheme 2023. Collection method: clinical testing. Allele origin: germline.

Color Diagnostics, LLC DBA Color Health
Classification: Likely benign for Cardiomyopathy. Last evaluated: 2019-08-20. Review status: criteria provided, single submitter. Criteria: ACMG Guidelines, 2015. Collection method: clinical testing. Allele origin: germline.